The following is an entry in ClinVar:

ClinVar aggregate classification (germline): Likely benign (1 of 4 stars; one submission).

Allele frequency attached by ClinVar (database versions not stated): ESP Exome Variant Server 0.00858; gnomAD 0.00917 and 0.00976; 1000 Genomes Project 30x 0.00999; 1000 Genomes Project 0.01018; TOPMed 0.01037.
gnomAD v4.1: 2,044 of 781,252 alleles (0.26%); highest among the groups gnomAD compares: African/African-American, 3.2%; 30 homozygotes.

Submission:

GeneDx
Classification: Likely benign. Last evaluated: 2018-06-19. Review status: criteria provided, single submitter. Criteria: GeneDx Variant Classification (06012015). Collection method: clinical testing. Allele origin: germline. Affected: yes.
Comment: This variant is considered likely benign or benign based on one or more of the following criteria: it is a conservative change, it occurs at a poorly conserved position in the protein, it is predicted to be benign by multiple in silico algorithms, and/or has population frequency not consistent with disease.

NM_001330078.2(NRXN1):c.832+63A>G

Gene: NRXN1 (neurexin 1; minus strand). Cytogenetic location: 2p16.3.
Variant type: single nucleotide variant.
Coding change: c.832+63A>G on transcript NM_001330078.2 (MANE Select); 63 bases into the intron after coding-DNA position 832, A replaced by G.
Molecular consequence: intron variant.
Genome position (GRCh38, 1-based): chr2:50,921,806, T>C on the plus strand (A>G on the coding strand, the complement: NRXN1 is on the minus strand). VCF-style: chr2-50921806-T-C. GRCh37 (hg19) VCF-style: chr2-51148944-T-C.
Other names: c.772+105696A>G (NM_001330096.2, NM_001330087.2, NM_001330083.2 and 1 more transcripts); c.802+852A>G (NM_001330088.2); c.829+63A>G (NM_001330093.2, NM_001330079.2); c.820+852A>G (NM_001330094.2); c.832+63A>G (NM_001330095.2, NM_001330082.2, NM_001330077.2 and 5 more transcripts); c.931+63A>G (NM_001135659.3).
Identifiers: ClinVar variation 673208 (VCV000673208.1), dbSNP rs75210840, ClinGen allele CA48023275.